The following is an entry in ClinVar:

ClinVar aggregate classification (germline): Pathogenic (1 of 4 stars; one submission).

Conditions:
Supravalvar aortic stenosis (SVAS). Also called: Supravalvar aortic stenosis, Eisenberg type. Identifiers: Orphanet 3193, MedGen C0003499, MONDO:0008504, OMIM 185500, HP:0004381.

Submission:

Labcorp Genetics (formerly Invitae), Labcorp
Classification: Pathogenic for Supravalvar aortic stenosis. Last evaluated: 2022-11-25. Review status: criteria provided, single submitter. Criteria: Invitae Variant Classification Sherloc (09022015). Collection method: clinical testing. Allele origin: germline.
Comment: This sequence change creates a premature translational stop signal (p.Ala259Glnfs*64) in the ELN gene. It is expected to result in an absent or disrupted protein product. Loss-of-function variants in ELN are known to be pathogenic (PMID: 11175284). This variant is not present in population databases (gnomAD no frequency). This variant has not been reported in the literature in individuals affected with ELN-related conditions. For these reasons, this variant has been classified as Pathogenic.

Literature cited by the submitters: PubMed 11175284.

NM_000501.4(ELN):c.775del (p.Ala259fs)

Gene: ELN (elastin; plus strand). Cytogenetic location: 7q11.23.
Variant type: Deletion.
Coding change: c.775del on transcript NM_000501.4 (MANE Select); coding-DNA position 775, one base deleted (G; older notation c.775delG).
Protein change: p.Ala259fs; shifts the reading frame from alanine 259.
Molecular consequence: frameshift variant.
Genome position (GRCh38, 1-based): chr7:74,048,532, G deleted; the last of 2 consecutive G bases (chr7:74,048,531-74,048,532); deleting either gives the same sequence. VCF-style (leftmost placement, unchanged base first): chr7-74048530-CG-C. GRCh37 (hg19) VCF-style: chr7-73462860-CG-C.
Other names: c.745del, p.Ala249fs (NM_001081752.3, NM_001278917.2); c.790del, p.Ala264fs (NM_001081753.3, NM_001081754.3); c.775del, p.Ala259fs (NM_001081755.3, NM_001278912.2, NM_001278915.2 and 1 more transcripts); c.667del, p.Ala223fs (NM_001278913.2); c.760del, p.Ala254fs (NM_001278914.2); c.733del, p.Ala245fs (NM_001278916.2); c.643del, p.Ala215fs (NM_001278918.2); short protein forms A249fs, A254fs, A215fs, A223fs, A245fs, A259fs, A264fs.
Identifiers: ClinVar variation 2816239 (VCV002816239.3), dbSNP rs2485518873, ClinGen allele CA2739266465.
Genomic context (GRCh38, chr7:74,048,530, plus strand): 5'-TCAAGGTCTCTCCCCTCTGCTTCCTTCCCCCAGGGGTTGGCCCCCAGGCAGCAGCAGCAG[CG>C]GCAGCTAAAGCAGCAGCAAAGTTCGGTGAGTGCCCCTGGAGTCCCCACCTGGTGGCCTCC-3'